The following is an entry in ClinVar:

ClinVar aggregate classification (germline): Uncertain significance. Review status: criteria provided, multiple submitters, no conflicts (2 of 4 stars). 2 submissions from 2 submitters: Uncertain significance (2). Last evaluated 2022-04-13.

Conditions:
Focal segmental glomerulosclerosis 6 (FSGS6). Identifiers: Orphanet 656, MedGen C3279905, MONDO:0013589, OMIM 614131.

Allele frequency attached by ClinVar (database versions not stated): ExAC 0.00001; gnomAD 0.00001; gnomAD exomes 0.00001 and 0.00002.
gnomAD v4.1: 21 of 1,614,040 alleles (0.0013%); highest among the groups gnomAD compares: South Asian, 0.022%; no homozygotes.

Submissions (2):

Fulgent Genetics
Classification: Uncertain significance for Focal segmental glomerulosclerosis 6. Last evaluated: 2022-04-13. Review status: criteria provided, single submitter. Criteria: ACMG Guidelines, 2015. Collection method: clinical testing. Allele origin: unknown.

Labcorp Genetics (formerly Invitae), Labcorp
Classification: Uncertain significance. Last evaluated: 2020-12-05. Review status: criteria provided, single submitter. Criteria: Invitae Variant Classification Sherloc (09022015). Collection method: clinical testing. Allele origin: germline.
Comment: This sequence change replaces isoleucine with valine at codon 145 of the MYO1E protein (p.Ile145Val). The isoleucine residue is highly conserved and there is a small physicochemical difference between isoleucine and valine. This variant is present in population databases (rs749937776, ExAC 0.006%). This variant has not been reported in the literature in individuals with MYO1E-related conditions. Algorithms developed to predict the effect of missense changes on protein structure and function are either unavailable or do not agree on the potential impact of this missense change (SIFT: "Tolerated"; PolyPhen-2: "Probably Damaging"; Align-GVGD: "Class C0"). In summary, the available evidence is currently insufficient to determine the role of this variant in disease. Therefore, it has been classified as a Variant of Uncertain Significance.

NM_004998.4(MYO1E):c.433A>G (p.Ile145Val)

Gene: MYO1E (myosin IE; minus strand). Cytogenetic location: 15q22.2.
Variant type: single nucleotide variant.
Coding change: c.433A>G on transcript NM_004998.4 (MANE Select); coding-DNA position 433, A replaced by G.
Protein change: p.Ile145Val; replaces isoleucine 145 with valine.
Molecular consequence: missense variant.
Genome position (GRCh38, 1-based): chr15:59,231,779, T>C on the plus strand (A>G on the coding strand, the complement: MYO1E is on the minus strand). VCF-style: chr15-59231779-T-C. GRCh37 (hg19) VCF-style: chr15-59523978-T-C.
Other names: short protein forms I145V.
Identifiers: ClinVar variation 1354141 (VCV001354141.8), dbSNP rs749937776, ClinGen allele CA7590327.
Genomic context (GRCh38, chr15:59,231,779, plus strand): 5'-TGTTCCGGACGGTCTTGGCGTTCCCGAAGGCCTCCAGCAGCGGGTTGGACTGCAGGATAA[T>C]GTCCTTCACGTGCTGTCCCAGCAAATAGACCGGAGGTTAGGAAGGTGTGAACACCTACCA-3'
Protein context (NP_004989.2, residues 135-155): GGTKVQHVKD[Ile145Val]ILQSNPLLEA